The following is an entry in ClinVar:

ClinVar aggregate classification (germline): Uncertain significance (1 of 4 stars; one submission).

Conditions:
Autosomal recessive limb-girdle muscular dystrophy type 2J (LGMDR10). Also called: MUSCULAR DYSTROPHY, LIMB-GIRDLE, AUTOSOMAL RECESSIVE 10; Limb-girdle muscular dystrophy, type 2J. Identifiers: Orphanet 140922, MedGen C1837342, MONDO:0012127, OMIM 608807.
Dilated cardiomyopathy 1G (CMD1G). Identifiers: Orphanet 154, MedGen C1858763, MONDO:0011400, OMIM 604145.

Submission:

Labcorp Genetics (formerly Invitae), Labcorp
Classification: Uncertain significance for Dilated cardiomyopathy 1G; Autosomal recessive limb-girdle muscular dystrophy type 2J. Last evaluated: 2025-03-30. Review status: criteria provided, single submitter. Criteria: Invitae Variant Classification Sherloc (09022015). Collection method: clinical testing. Allele origin: germline.
Comment: This sequence change replaces glutamic acid, which is acidic and polar, with alanine, which is neutral and non-polar, at codon 35328 of the TTN protein (p.Glu35328Ala). This variant is not present in population databases (gnomAD no frequency). This variant has not been reported in the literature in individuals affected with TTN-related conditions. Experimental studies and prediction algorithms are not available or were not evaluated, and the functional significance of this variant is currently unknown. This variant is located in the M band of TTN (PMID: 25589632). Non-truncating variants in this region may be relevant for neuromuscular disorders, but have not been definitively shown to cause cardiomyopathy (PMID: 23975875). In summary, the available evidence is currently insufficient to determine the role of this variant in disease. Therefore, it has been classified as a Variant of Uncertain Significance.

Literature cited by the submitters: PubMed 25589632; PubMed 23975875.

NM_001267550.2(TTN):c.105983A>C (p.Glu35328Ala)

Genes: TTN (titin; minus strand), TTN-AS1 (TTN antisense RNA 1; plus strand). Cytogenetic location: 2q31.2.
Variant type: single nucleotide variant.
Coding change: c.105983A>C on transcript NM_001267550.2 (MANE Select); coding-DNA position 105983, A replaced by C.
Protein change: p.Glu35328Ala; replaces glutamic acid 35328 with alanine.
Molecular consequence: missense variant.
Genome position (GRCh38, 1-based): chr2:178,530,632, T>G on the plus strand (A>C on the coding strand, the complement: TTN is on the minus strand). VCF-style: chr2-178530632-T-G. GRCh37 (hg19) VCF-style: chr2-179395359-T-G.
Other names: c.101060A>C, p.Glu33687Ala (NM_001256850.1); c.78788A>C, p.Glu26263Ala (NM_003319.4); c.98279A>C, p.Glu32760Ala (NM_133378.4); c.79163A>C, p.Glu26388Ala (NM_133432.3); c.79364A>C, p.Glu26455Ala (NM_133437.4); short protein forms E26455A, E35328A, E26263A, E26388A, E32760A, E33687A.
Identifiers: ClinVar variation 4793088 (VCV004793088.1).